The following is an entry in ClinVar:

ClinVar aggregate classification (germline): Uncertain significance (1 of 4 stars; one submission).

Conditions:
Infantile spasms. Also called: Infantile spasm. Identifiers: MedGen C3887898, HP:0012469.

Submission:

Labcorp Genetics (formerly Invitae), Labcorp
Classification: Uncertain significance for Infantile spasms. Last evaluated: 2025-02-09. Review status: criteria provided, single submitter. Criteria: Invitae Variant Classification Sherloc (09022015). Collection method: clinical testing. Allele origin: germline.
Comment: This sequence change replaces glutamine, which is neutral and polar, with histidine, which is basic and polar, at codon 607 of the PIK3AP1 protein (p.Gln607His). This variant is not present in population databases (gnomAD no frequency). This variant has not been reported in the literature in individuals affected with PIK3AP1-related conditions. An algorithm developed to predict the effect of missense changes on protein structure and function (PolyPhen-2) suggests that this variant is likely to be disruptive. In summary, the available evidence is currently insufficient to determine the role of this variant in disease. Therefore, it has been classified as a Variant of Uncertain Significance.

NM_152309.3(PIK3AP1):c.1821G>C (p.Gln607His)

Gene: PIK3AP1 (phosphoinositide-3-kinase adaptor protein 1; minus strand). Cytogenetic location: 10q24.1.
Variant type: single nucleotide variant.
Coding change: c.1821G>C on transcript NM_152309.3 (MANE Select); coding-DNA position 1821, G replaced by C.
Protein change: p.Gln607His; replaces glutamine 607 with histidine.
Molecular consequence: missense variant.
Genome position (GRCh38, 1-based): chr10:96,620,472, C>G on the plus strand (G>C on the coding strand, the complement: PIK3AP1 is on the minus strand). VCF-style: chr10-96620472-C-G. GRCh37 (hg19) VCF-style: chr10-98380229-C-G.
Other names: short protein forms Q607H.
Identifiers: ClinVar variation 4748521 (VCV004748521.1).